The following is an entry in ClinVar:

ClinVar aggregate classification (germline): Uncertain significance (1 of 4 stars; one submission).

Conditions:
Werner syndrome (WRN). Identifiers: Orphanet 902, MedGen C0043119, MONDO:0010196, OMIM 277700.

Submission:

Labcorp Genetics (formerly Invitae), Labcorp
Classification: Uncertain significance for Werner syndrome. Last evaluated: 2022-09-20. Review status: criteria provided, single submitter. Criteria: Invitae Variant Classification Sherloc (09022015). Collection method: clinical testing. Allele origin: germline.
Comment: In summary, the available evidence is currently insufficient to determine the role of this variant in disease. Therefore, it has been classified as a Variant of Uncertain Significance. Algorithms developed to predict the effect of sequence changes on RNA splicing suggest that this variant may disrupt the consensus splice site. ClinVar contains an entry for this variant (Variation ID: 1046390). This variant has not been reported in the literature in individuals affected with WRN-related conditions. This variant is not present in population databases (gnomAD no frequency). This sequence change falls in intron 21 of the WRN gene. It does not directly change the encoded amino acid sequence of the WRN protein.

NM_000553.6(WRN):c.2631-6C>A

Gene: WRN (WRN RecQ like helicase; plus strand). Cytogenetic location: 8p12.
Variant type: single nucleotide variant.
Coding change: c.2631-6C>A on transcript NM_000553.6 (MANE Select); 6 bases into the intron before coding-DNA position 2631, C replaced by A.
Molecular consequence: intron variant.
Genome position (GRCh38, 1-based): chr8:31,124,516, C>A. VCF-style: chr8-31124516-C-A. GRCh37 (hg19) VCF-style: chr8-30982032-C-A.
Identifiers: ClinVar variation 1046390 (VCV001046390.5), dbSNP rs776268892, ClinGen allele CA2499219258.
Genomic context (GRCh38, chr8:31,124,516, plus strand): 5'-TAAAAAAAAAAGTAAGAAAGTTGCCAATACAGTTTTACATATTCCTGTGATGTTTTTAAT[C>A]GACAGGCACCTTCTTACTGAGATACGTAATGAGAAGTTTCGATTATACAAATTAAAGATG-3'